The following is an entry in ClinVar:

ClinVar aggregate classification (germline): Likely pathogenic (1 of 4 stars; one submission).

Conditions:
Congenital hyperammonemia, type I. Also called: Carbamoyl phosphate synthetase I deficiency disease; CPS I DEFICIENCY; Carbamoyl phosphate synthetase 1 deficiency; Hyperammonemia due to carbamoyl phosphate synthetase 1 deficiency; CPS 1 deficiency; Carbamyl phosphate synthetase (CPS) deficiency. Identifiers: Orphanet 147, MedGen C4082171, MONDO:0009376, OMIM 237300.

Submission:

Myriad Genetics, Inc.
Classification: Likely pathogenic for Congenital hyperammonemia, type I. Last evaluated: 2022-05-27. Review status: criteria provided, single submitter. Criteria: Myriad Women's Health Autosomal Recessive and X-Linked Classification Criteria (2021). Collection method: clinical testing. Allele origin: unknown.
Comment: NM_001875.4(CPS1):c.1569_1570delAG(G524Cfs*15) is expected to be pathogenic in the context of carbamoylphosphate synthetase I deficiency. This variant is predicted to lead to an abnormal or absent protein product due to the creation of a premature termination codon in CPS1, a gene where loss-of-function variants are known to be pathogenic. Please note: this variant was assessed in the context of healthy population screening.

NM_001875.5(CPS1):c.1569_1570del (p.Gly524fs)

Gene: CPS1 (carbamoyl-phosphate synthase 1; plus strand). Cytogenetic location: 2q34.
Variant type: Microsatellite.
Coding change: c.1569_1570del on transcript NM_001875.5 (MANE Select); coding-DNA positions 1569 to 1570, 2 bases deleted (AG; older notation c.1569_1570delAG).
Protein change: p.Gly524fs; shifts the reading frame from glycine 524.
Molecular consequence: frameshift variant. On other transcripts: non-coding transcript variant (2).
Genome position (GRCh38, 1-based): chr2:210,600,574-210,600,575, AG deleted; deleting any 2 consecutive bases within chr2:210,600,570-210,600,575 gives the same sequence; the c. name uses the placement nearest the transcript's 3' end. VCF-style (leftmost placement, unchanged base first): chr2-210600569-AAG-A. GRCh37 (hg19) VCF-style: chr2-211465293-AAG-A.
Other names: c.1569_1570del, p.Gly524fs (NM_001122633.3, NM_001369257.1); c.1602_1603del, p.Gly535fs (NM_001369256.1); short protein forms G524fs, G535fs.
Identifiers: ClinVar variation 1726227 (VCV001726227.2), dbSNP rs2469150591, ClinGen allele CA2580616669.